The following is an entry in ClinVar:

ClinVar aggregate classification (germline): Pathogenic. Review status: criteria provided, single submitter (1 of 4 stars). 2 submissions from 1 submitter: Pathogenic (2). Last evaluated 2022-08-23.

Conditions:
Generalized epilepsy with febrile seizures plus, type 7 (GEFSP7). Also called: GEFS+, TYPE 7. Identifiers: Orphanet 36387, MedGen C2751778, MONDO:0013470, OMIM 613863.
Neuropathy, hereditary sensory and autonomic, type 2A (HSAN2A). Also called: MORVAN DISEASE; NEUROPATHY, CONGENITAL SENSORY; NEUROPATHY, HEREDITARY SENSORY RADICULAR, AUTOSOMAL RECESSIVE; NEUROPATHY, HEREDITARY SENSORY, TYPE IIA; NEUROPATHY, PROGRESSIVE SENSORY, OF CHILDREN; HSAN IIA. Identifiers: Orphanet 970, MedGen C2752089, MONDO:0024309, OMIM 201300.
Developmental and epileptic encephalopathy. Identifiers: MedGen C5779964, MONDO:0100620.

Submissions (2):

Labcorp Genetics (formerly Invitae), Labcorp
Classification: Pathogenic for Neuropathy, hereditary sensory and autonomic, type 2A; Generalized epilepsy with febrile seizures plus, type 7. Last evaluated: 2022-08-23. Review status: criteria provided, single submitter. Criteria: Invitae Variant Classification Sherloc (09022015). Collection method: clinical testing. Allele origin: germline.
Comment: This variant is a gross deletion of the genomic region encompassing exon(s) 10-27 of the SCN9A gene, which includes the termination codon. This deletion extends beyond the assayed region for this gene and therefore may encompass additional genes. While this deletion is not anticipated to lead to nonsense mediated decay, it is expected to alter mRNA translation or result in a truncated protein product. This variant has not been reported in the literature in individuals affected with SCN9A-related conditions. This variant disrupts a region of the SCN9A protein in which other variant(s) (p.Glu1773Glyfs*14) have been determined to be pathogenic (PMID: 25253744, 30795902). This suggests that this is a clinically significant region of the protein, and that variants that disrupt it are likely to be disease-causing. For these reasons, this variant has been classified as Pathogenic.

Labcorp Genetics (formerly Invitae), Labcorp
Classification: Pathogenic for Early-infantile DEE. Last evaluated: 2022-08-23. Review status: criteria provided, single submitter. Criteria: Invitae Variant Classification Sherloc (09022015). Collection method: clinical testing. Allele origin: germline.
Comment: For these reasons, this variant has been classified as Pathogenic. This variant has not been reported in the literature in individuals affected with SCN1A-related conditions. This variant is a gross deletion of the genomic region encompassing exon(s) 1-14 of the SCN1A gene, which includes the initiator codon. This deletion extends beyond the assayed region for this gene and therefore may encompass additional genes. It is expected to result in an absent or disrupted protein product. Loss-of-function variants in SCN1A are known to be pathogenic (PMID: 17347258, 18930999).

Literature cited by the submitters: PubMed 25253744; PubMed 30795902; PubMed 17347258; PubMed 18930999.

NC_000002.11:g.(?_166895913)_(167145173_?)del

Genes: SCN9A (sodium voltage-gated channel alpha subunit 9; minus strand), SCN1A (sodium voltage-gated channel alpha subunit 1; minus strand). Cytogenetic location: 2q24.3.
Variant type: Deletion.
Identifiers: ClinVar variation 2423908 (VCV002423908.4).